The following is an entry in ClinVar:

ClinVar aggregate classification (germline): Uncertain significance. Review status: criteria provided, multiple submitters, no conflicts (2 of 4 stars). 2 submissions from 2 submitters: Uncertain significance (2). Last evaluated 2024-12-03.

Conditions:
Inborn genetic diseases. Identifiers: MedGen C0950123, MeSH D030342.
Neuropathy, hereditary sensory and autonomic, type 2A (HSAN2A). Also called: HSAN IIA; MORVAN DISEASE; NEUROPATHY, CONGENITAL SENSORY; NEUROPATHY, HEREDITARY SENSORY RADICULAR, AUTOSOMAL RECESSIVE; NEUROPATHY, HEREDITARY SENSORY, TYPE IIA; NEUROPATHY, PROGRESSIVE SENSORY, OF CHILDREN. Identifiers: Orphanet 970, MedGen C2752089, MONDO:0024309, OMIM 201300.
Generalized epilepsy with febrile seizures plus, type 7 (GEFSP7). Also called: GEFS+, TYPE 7. Identifiers: Orphanet 36387, MedGen C2751778, MONDO:0013470, OMIM 613863.

Allele frequency attached by ClinVar (database versions not stated): ExAC 0.00001; gnomAD exomes 0.00001.
gnomAD v4.1: 5 of 1,614,192 alleles (0.00031%); highest among the groups gnomAD compares: Admixed American, 0.005%; no homozygotes.

Submissions (2):

Ambry Genetics
Classification: Uncertain significance for Inborn genetic diseases. Last evaluated: 2024-12-03. Review status: criteria provided, single submitter. Criteria: Ambry Variant Classification Scheme 2023. Collection method: clinical testing. Allele origin: germline.

Labcorp Genetics (formerly Invitae), Labcorp
Classification: Uncertain significance for Neuropathy, hereditary sensory and autonomic, type 2A; Generalized epilepsy with febrile seizures plus, type 7. Last evaluated: 2020-10-10. Review status: criteria provided, single submitter. Criteria: Invitae Variant Classification Sherloc (09022015). Collection method: clinical testing. Allele origin: germline.
Comment: This sequence change replaces asparagine with serine at codon 1808 of the SCN9A protein (p.Asn1808Ser). The asparagine residue is highly conserved and there is a small physicochemical difference between asparagine and serine. This variant is present in population databases (rs778928947, ExAC 0.009%). This variant has not been reported in the literature in individuals with SCN9A-related conditions. Algorithms developed to predict the effect of missense changes on protein structure and function (SIFT, PolyPhen-2, Align-GVGD) all suggest that this variant is likely to be disruptive, but these predictions have not been confirmed by published functional studies and their clinical significance is uncertain. In summary, the available evidence is currently insufficient to determine the role of this variant in disease. Therefore, it has been classified as a Variant of Uncertain Significance.

NM_001365536.1(SCN9A):c.5456A>G (p.Asn1819Ser)

Genes: SCN9A (sodium voltage-gated channel alpha subunit 9; minus strand), SCN1A-AS1 (SCN1A and SCN9A antisense RNA 1; plus strand). Cytogenetic location: 2q24.3.
Variant type: single nucleotide variant.
Coding change: c.5456A>G on transcript NM_001365536.1 (MANE Select); coding-DNA position 5456, A replaced by G.
Protein change: p.Asn1819Ser; replaces asparagine 1819 with serine.
Molecular consequence: missense variant.
Genome position (GRCh38, 1-based): chr2:166,199,183, T>C on the plus strand (A>G on the coding strand, the complement: SCN9A is on the minus strand). VCF-style: chr2-166199183-T-C. GRCh37 (hg19) VCF-style: chr2-167055693-T-C.
Other names: c.5423A>G, p.Asn1808Ser (NM_002977.4); short protein forms N1808S, N1819S.
Identifiers: ClinVar variation 1007035 (VCV001007035.10), dbSNP rs778928947, ClinGen allele CA1943677.